The following is an entry in ClinVar:

ClinVar aggregate classification (germline): Pathogenic. Review status: criteria provided, multiple submitters, no conflicts (2 of 4 stars). 3 submissions from 3 submitters: Pathogenic (2). 1 of the submissions does not count toward it. Last evaluated 2025-04-25.

Conditions:
Polycystic kidney disease. Also called: Kidney, Polycystic; Polycystic kidney dysplasia. Identifiers: MedGen C0022680, MeSH D007690, MONDO:0020642, HP:0000113.
PKD1-related disorder. Also called: PKD1-related condition.

Submissions (3):

GeneDx
Classification: Pathogenic. Last evaluated: 2025-04-25. Review status: criteria provided, single submitter. Criteria: GeneDx Variant Classification Process June 2021. Collection method: clinical testing. Allele origin: germline. Affected: yes.
Comment: Frameshift variant predicted to result in protein truncation or nonsense mediated decay in a gene for which loss of function is a known mechanism of disease; Not observed at significant frequency in large population cohorts (gnomAD); This variant is associated with the following publications: (PMID: 22508176)

PreventionGenetics, part of Exact Sciences
Classification: Pathogenic for PKD1-related condition. Last evaluated: 2024-10-21. Review status: criteria provided, single submitter. Criteria: ACMG Guidelines, 2015. Collection method: clinical testing. Allele origin: germline.
Comment: The PKD1 c.7421delG variant is predicted to result in a frameshift and premature protein termination (p.Gly2474Alafs*146). This variant was reported in an individual with autosomal dominant polycystic kidney disease (ADPKD) (Supp. Table S4, Audrézet et al. 2012. PubMed ID: 22508176). This variant has not been reported in a large population database (gnomAD), indicating this variant is rare. Frameshift variants in PKD1 are expected to be pathogenic. This variant is interpreted as pathogenic.

Department of Pathology and Laboratory Medicine, Sinai Health System
Classification: Pathogenic for Polycystic Kidney disease. Review status: no assertion criteria provided. Collection method: clinical testing. Allele origin: unknown. Affected: yes. Study: The Canadian Open Genetics Repository (COGR). Not counted in ClinVar's aggregate classification.
Comment: The PKD1 p.Gly2474AlafsX146 variant was identified in 1 of 1400 proband chromosomes (frequency: 0.0007) from French individuals or families with ADPKD (Audrezet_2012_22508176). The variant was also identified in ADPKD Mutation Database (classified definitely pathogenic); it was not identified in dbSNP, ClinVar, Clinvitae, COGR, LOVD 3.0, PKD1-LOVD, the 1000 Genomes Project, the NHLBI GO Exome Sequencing Project, the Exome Aggregation Consortium (August 8th 2016), or the Genome Aggregation Database (Feb 27, 2017). The c.7421delG variant is predicted to cause a frameshift, which alters the protein amino acid sequence beginning at codon 2474 and leads to a premature stop codon 146 codons downstream. This alteration is then predicted to result in a truncated or absent protein and loss of function. Loss of function variants of the PKD1 gene are an established mechanism of disease in autosomal dominant polycystic kidney disease and is the type of variant expected to cause the disorder.In summary, based on the above information this variant meets our laboratoryâ€šÃ„Ã´s criteria to be classified as pathogenic.

NM_001009944.3(PKD1):c.7421del (p.Gly2474fs)

Gene: PKD1 (polycystin 1, transient receptor potential channel interacting; minus strand). Cytogenetic location: 16p13.3.
Variant type: Deletion.
Coding change: c.7421del on transcript NM_001009944.3 (MANE Select); coding-DNA position 7421, one base deleted (G; older notation c.7421delG).
Protein change: p.Gly2474fs; shifts the reading frame from glycine 2474.
Molecular consequence: frameshift variant.
Genome position (GRCh38, 1-based): chr16:2,106,466, C deleted on the plus strand (G on the coding strand, the reverse complement: PKD1 is on the minus strand); the first of 6 consecutive C bases (chr16:2,106,466-2,106,471); deleting any one gives the same sequence. VCF-style (leftmost placement, unchanged base first): chr16-2106465-GC-G. GRCh37 (hg19) VCF-style: chr16-2156466-GC-G.
Other names: c.7421del, p.Gly2474fs (NM_000296.4); c.7421delG (NM_001009944.2); c.7421del (NM_001009944.2); short protein forms G2474fs.
Identifiers: ClinVar variation 997276 (VCV000997276.3), dbSNP rs1237714286, ClinGen allele CA2202034539.